The following is an entry in ClinVar:

ClinVar aggregate classification (germline): Uncertain significance (1 of 4 stars; one submission).

Conditions:
Brachyolmia-amelogenesis imperfecta syndrome. Also called: PLATYSPONDYLY WITH AMELOGENESIS IMPERFECTA; Tooth agenesis, selective, 6; Dental anomalies and short stature. Identifiers: Orphanet 2899, MedGen C1832594, MONDO:0011018, OMIM 601216. Disease mechanism: loss of function.

gnomAD v4.1: 4 of 1,554,462 alleles (0.00026%); highest among the groups gnomAD compares: Non-Finnish European, 0.00035%; no homozygotes.

Submission:

Labcorp Genetics (formerly Invitae), Labcorp
Classification: Uncertain significance for Brachyolmia-amelogenesis imperfecta syndrome. Last evaluated: 2024-07-22. Review status: criteria provided, single submitter. Criteria: Invitae Variant Classification Sherloc (09022015). Collection method: clinical testing. Allele origin: germline.
Comment: This sequence change replaces glutamic acid, which is acidic and polar, with aspartic acid, which is acidic and polar, at codon 1220 of the LTBP3 protein (p.Glu1220Asp). This variant is not present in population databases (gnomAD no frequency). This variant has not been reported in the literature in individuals affected with LTBP3-related conditions. An algorithm developed to predict the effect of missense changes on protein structure and function (PolyPhen-2) suggests that this variant is likely to be tolerated. In summary, the available evidence is currently insufficient to determine the role of this variant in disease. Therefore, it has been classified as a Variant of Uncertain Significance.

NM_001130144.3(LTBP3):c.3660G>C (p.Glu1220Asp)

Gene: LTBP3 (latent transforming growth factor beta binding protein 3; minus strand). Cytogenetic location: 11q13.1.
Variant type: single nucleotide variant.
Coding change: c.3660G>C on transcript NM_001130144.3 (MANE Select); coding-DNA position 3660, G replaced by C.
Protein change: p.Glu1220Asp; replaces glutamic acid 1220 with aspartic acid.
Molecular consequence: missense variant.
Genome position (GRCh38, 1-based): chr11:65,539,428, C>G on the plus strand (G>C on the coding strand, the complement: LTBP3 is on the minus strand). VCF-style: chr11-65539428-C-G. GRCh37 (hg19) VCF-style: chr11-65306899-C-G.
Other names: c.3168G>C, p.Glu1056Asp (NM_001164266.1); c.3519G>C, p.Glu1173Asp (NM_021070.4); short protein forms E1220D, E1173D, E1056D.
Identifiers: ClinVar variation 3684072 (VCV003684072.2).